The following is an entry in ClinVar:

ClinVar aggregate classification (germline): Uncertain significance. Review status: criteria provided, multiple submitters, no conflicts (2 of 4 stars). 2 submissions from 2 submitters: Uncertain significance (2). Last evaluated 2025-03-07.

gnomAD v4.1: 3 of 1,613,010 alleles (0.00019%); highest among the groups gnomAD compares: Non-Finnish European, 0.00017%; no homozygotes.

Submissions (2):

Ambry Genetics
Classification: Uncertain significance. Last evaluated: 2025-03-07. Review status: criteria provided, single submitter. Criteria: Ambry Variant Classification Scheme 2023. Collection method: clinical testing. Allele origin: germline.

Labcorp Genetics (formerly Invitae), Labcorp
Classification: Uncertain significance. Last evaluated: 2024-08-14. Review status: criteria provided, single submitter. Criteria: Invitae Variant Classification Sherloc (09022015). Collection method: clinical testing. Allele origin: germline.
Comment: This sequence change replaces glutamic acid, which is acidic and polar, with glutamine, which is neutral and polar, at codon 119 of the SUCO protein (p.Glu119Gln). This variant is present in population databases (no rsID available, gnomAD 0.0009%). This variant has not been reported in the literature in individuals affected with SUCO-related conditions. An algorithm developed to predict the effect of missense changes on protein structure and function (PolyPhen-2) suggests that this variant is likely to be tolerated. In summary, the available evidence is currently insufficient to determine the role of this variant in disease. Therefore, it has been classified as a Variant of Uncertain Significance.

NM_014283.5(SUCO):c.355G>C (p.Glu119Gln)

Gene: SUCO (SUN domain containing ossification factor; plus strand). Cytogenetic location: 1q24.3.
Variant type: single nucleotide variant.
Coding change: c.355G>C on transcript NM_014283.5 (MANE Select); coding-DNA position 355, G replaced by C.
Protein change: p.Glu119Gln; replaces glutamic acid 119 with glutamine.
Molecular consequence: missense variant. On other transcripts: 5 prime UTR variant (1).
Genome position (GRCh38, 1-based): chr1:172,555,935, G>C. VCF-style: chr1-172555935-G-C. GRCh37 (hg19) VCF-style: chr1-172525075-G-C.
Other names: c.244G>C, p.Glu82Gln (NM_001282750.2); c.-1175G>C (NM_001282751.2); c.829G>C, p.Glu277Gln (NM_016227.4); c.355G>C (NM_014283.3); short protein forms E119Q, E277Q, E82Q.
Identifiers: ClinVar variation 3610417 (VCV003610417.3).